The following is an entry in ClinVar:

NM_174916.3(UBR1):c.47C>T (p.Ala16Val)

Genes: UBR1 (ubiquitin protein ligase E3 component n-recognin 1; minus strand), LOC130056936 (ATAC-STARR-seq lymphoblastoid active region 9309; plus strand). Cytogenetic location: 15q15.2.
Variant type: single nucleotide variant.
Coding change: c.47C>T on transcript NM_174916.3 (MANE Select); coding-DNA position 47, C replaced by T.
Protein change: p.Ala16Val; replaces alanine 16 with valine.
Molecular consequence: missense variant.
Genome position (GRCh38, 1-based): chr15:43,105,976, G>A on the plus strand (C>T on the coding strand, the complement: UBR1 is on the minus strand). VCF-style: chr15-43105976-G-A. GRCh37 (hg19) VCF-style: chr15-43398174-G-A.
Other names: short protein forms A16V.
Identifiers: ClinVar variation 714531 (VCV000714531.34), dbSNP rs76172507, ClinGen allele CA7519147.

ClinVar aggregate classification (germline): Benign. Review status: criteria provided, multiple submitters, no conflicts (2 of 4 stars). 2 submissions from 2 submitters: Benign (2). Last evaluated 2026-02-01.

Allele frequency attached by ClinVar (database versions not stated): TOPMed 0.00448; ESP Exome Variant Server 0.00515; 1000 Genomes Project 0.00539; 1000 Genomes Project 30x 0.00609.
gnomAD v4.1: 1,311 of 1,614,002 alleles (0.081%); highest among the groups gnomAD compares: African/African-American, 1.5%; 20 homozygotes.

Submissions (2):

Labcorp Genetics (formerly Invitae), Labcorp
Classification: Benign. Last evaluated: 2026-02-01. Review status: criteria provided, single submitter. Criteria: Invitae Variant Classification Sherloc (09022015). Collection method: clinical testing. Allele origin: germline.

CeGaT Center for Human Genetics Tuebingen
Classification: Benign. Last evaluated: 2023-05-01. Review status: criteria provided, single submitter. Criteria: CeGaT Center For Human Genetics Tuebingen Variant Classification Criteria Version 2. Collection method: clinical testing. Allele origin: germline. Affected: yes. Observed: 2 variant alleles.
Comment: UBR1: BP4, BS1, BS2